The following is an entry in ClinVar:

NM_018699.4(PRDM5):c.1283-5C>T

Gene: PRDM5 (PR/SET domain 5; minus strand). Cytogenetic location: 4q27.
Variant type: single nucleotide variant.
Coding change: c.1283-5C>T on transcript NM_018699.4 (MANE Select); 5 bases into the intron before coding-DNA position 1283, C replaced by T.
Molecular consequence: intron variant.
Genome position (GRCh38, 1-based): chr4:120,781,308, G>A on the plus strand (C>T on the coding strand, the complement: PRDM5 is on the minus strand). VCF-style: chr4-120781308-G-A. GRCh37 (hg19) VCF-style: chr4-121702463-G-A.
Other names: p.?; c.1190-5C>T (NM_001300824.2, NM_001379106.1, NM_001300823.2); c.1316-5C>T (NM_001379104.1).
Identifiers: ClinVar variation 347436 (VCV000347436.70), dbSNP rs185134294, ClinGen allele CA3061080.

ClinVar aggregate classification (germline): Conflicting classifications of pathogenicity. Review status: criteria provided, conflicting classifications (1 of 4 stars). 12 submissions from 12 submitters: Uncertain significance (2); Benign (3); Likely benign (5). 2 of the submissions do not count toward it. Last evaluated 2026-02-01.

Conditions:
Cardiovascular phenotype. Identifiers: MedGen CN230736.
Brittle cornea syndrome 2 (BCS2). Identifiers: Orphanet 90354, MedGen C3280011, MONDO:0013605, OMIM 614170.
Ehlers-Danlos syndrome (EDS). Identifiers: Orphanet 98249, MedGen C0013720, MONDO:0020066.

Allele frequency attached by ClinVar (database versions not stated): 1000 Genomes Project 30x 0.00062; 1000 Genomes Project 0.00080; ExAC 0.00170; gnomAD exomes 0.00184 and 0.00335; ESP Exome Variant Server 0.00192; gnomAD 0.00195 and 0.00213; TOPMed 0.00200.
gnomAD v4.1: 5,108 of 1,610,696 alleles (0.32%); highest among the groups gnomAD compares: Non-Finnish European, 0.41%; 11 homozygotes.

Submissions (12):

CeGaT Center for Human Genetics Tuebingen
Classification: Likely benign. Last evaluated: 2026-02-01. Review status: criteria provided, single submitter. Criteria: CeGaT Center For Human Genetics Tuebingen Variant Classification Criteria Version 2. Collection method: clinical testing. Allele origin: germline. Affected: yes. Observed: 12 variant alleles.
Comment: PRDM5: BP4, BS2

Labcorp Genetics (formerly Invitae), Labcorp
Classification: Benign. Last evaluated: 2026-02-01. Review status: criteria provided, single submitter. Criteria: Invitae Variant Classification Sherloc (09022015). Collection method: clinical testing. Allele origin: germline.

Women's Health and Genetics/Laboratory Corporation of America, LabCorp
Classification: Uncertain significance. Last evaluated: 2025-01-14. Review status: criteria provided, single submitter. Criteria: LabCorp Variant Classification Summary - May 2015. Collection method: clinical testing. Allele origin: germline.
Comment: Variant summary: PRDM5 c.1283-5C>T alters a conserved nucleotide located close to a canonical splice site and therefore could affect mRNA splicing, leading to a significantly altered protein sequence. Consensus agreement among computation tools predict no significant impact on normal splicing. However, these predictions have yet to be confirmed by functional studies. The variant allele was found at a frequency of 0.0018 in 248178 control chromosomes in the gnomAD database, including 1 homozygotes. This frequency is not significantly higher than estimated for a pathogenic variant in PRDM5 causing Brittle cornea syndrome 2, allowing no conclusion about variant significance. To our knowledge, no occurrence of c.1283-5C>T in individuals affected with Brittle cornea syndrome 2 and no experimental evidence demonstrating its impact on protein function have been reported. ClinVar contains an entry for this variant (Variation ID: 347436). Based on the evidence outlined above, the variant was classified as uncertain significance.

Blueprint Genetics
Classification: Likely benign. Last evaluated: 2024-11-21. Review status: criteria provided, single submitter. Criteria: ACMG Guidelines, 2015. Collection method: clinical testing. Allele origin: germline.

Mayo Clinic Laboratories, Mayo Clinic
Classification: Benign. Last evaluated: 2024-08-05. Review status: criteria provided, single submitter. Criteria: ACMG Guidelines, 2015. Collection method: clinical testing. Allele origin: germline. Observed: 21 variant alleles.
Comment: BS1, BS2, BP4, BP7

Genome Diagnostics Laboratory, The Hospital for Sick Children
Classification: Likely benign for Ehlers-Danlos syndrome. Last evaluated: 2021-11-30. Review status: criteria provided, single submitter. Criteria: ACMG Guidelines, 2015. Collection method: clinical testing. Allele origin: germline.

GeneDx
Classification: Likely benign. Last evaluated: 2020-10-06. Review status: criteria provided, single submitter. Criteria: GeneDx Variant Classification Process June 2021. Collection method: clinical testing. Allele origin: germline. Affected: yes.

Ambry Genetics
Classification: Benign for Cardiovascular phenotype. Last evaluated: 2019-05-13. Review status: criteria provided, single submitter. Criteria: Ambry Variant Classification Scheme 2023. Collection method: clinical testing. Allele origin: germline.

Illumina Laboratory Services, Illumina
Classification: Likely benign for Brittle cornea syndrome 2. Last evaluated: 2018-01-12. Review status: criteria provided, single submitter. Criteria: ICSL Variant Classification Criteria 13 December 2019. Collection method: clinical testing. Allele origin: germline.
Comment: This variant was observed in the ICSL laboratory as part of a predisposition screen in an ostensibly healthy population. It had not been previously curated by ICSL or reported in the Human Gene Mutation Database (HGMD: prior to June 1st, 2018), and was therefore a candidate for classification through an automated scoring system. Utilizing variant allele frequency, disease prevalence and penetrance estimates, and inheritance mode, an automated score was calculated to assess if this variant is too frequent to cause the disease. Based on the score and internal cut-off values, a variant classified as likely benign is not then subjected to further curation. The score for this variant resulted in a classification of likely benign for this disease.

Eurofins Ntd Llc (ga)
Classification: Uncertain significance. Last evaluated: 2016-12-08. Review status: criteria provided, single submitter. Criteria: EGL Classification Definitions 2015. Collection method: clinical testing. Allele origin: germline. Observed: 1 variant allele, 1 heterozygote.

Clinical Genetics DNA and cytogenetics Diagnostics Lab, Erasmus MC, Erasmus Medical Center
Classification: Likely benign. Review status: no assertion criteria provided. Collection method: clinical testing. Allele origin: germline. Affected: yes. Study: VKGL Data-share Consensus. Not counted in ClinVar's aggregate classification.

Genome Diagnostics Laboratory, Amsterdam University Medical Center
Classification: Benign. Review status: no assertion criteria provided. Collection method: clinical testing. Allele origin: germline. Affected: yes. Study: VKGL Data-share Consensus. Not counted in ClinVar's aggregate classification.